The following is an entry in ClinVar:

ClinVar aggregate classification (germline): Uncertain significance. Review status: criteria provided, multiple submitters, no conflicts (2 of 4 stars). 3 submissions from 2 submitters: Uncertain significance (3). Last evaluated 2024-11-25.

Conditions:
TTC8-related disorder. Also called: TTC8-related condition.
Bardet-Biedl syndrome 8 (BBS8). Identifiers: Orphanet 110, MedGen C1859566, MONDO:0014436, OMIM 615985.
Retinitis pigmentosa (RP). Identifiers: Orphanet 791, MedGen C0035334, MeSH D012174, MONDO:0019200, OMIM 268000. Inheritance: Autosomal dominant, autosomal recessive and X linked inheritance.

Allele frequency attached by ClinVar (database versions not stated): TOPMed below 0.00001.

Submissions (3):

PreventionGenetics, part of Exact Sciences
Classification: Uncertain significance for TTC8-related condition. Last evaluated: 2024-11-25. Review status: criteria provided, single submitter. Criteria: ACMG Guidelines, 2015. Collection method: clinical testing. Allele origin: germline.
Comment: The TTC8 c.305C>T variant is predicted to result in the amino acid substitution p.Thr102Ile. To our knowledge, this variant has not been reported in the literature or in a large population database (gnomAD), indicating this variant is rare. At this time, the clinical significance of this variant is uncertain due to the absence of conclusive functional and genetic evidence.

Illumina Laboratory Services, Illumina
Classification: Uncertain significance for Bardet-Biedl syndrome 8. Last evaluated: 2018-01-13. Review status: criteria provided, single submitter. Criteria: ICSL Variant Classification Criteria 13 December 2019. Collection method: clinical testing. Allele origin: germline.

Illumina Laboratory Services, Illumina
Classification: Uncertain significance for Retinitis pigmentosa. Last evaluated: 2018-01-13. Review status: criteria provided, single submitter. Criteria: ICSL Variant Classification Criteria 13 December 2019. Collection method: clinical testing. Allele origin: germline.

NM_144596.4(TTC8):c.305C>T (p.Thr102Ile)

Gene: TTC8 (tetratricopeptide repeat domain 8; plus strand). Cytogenetic location: 14q31.3.
Variant type: single nucleotide variant.
Coding change: c.305C>T on transcript NM_144596.4 (MANE Select); coding-DNA position 305, C replaced by T.
Protein change: p.Thr102Ile; replaces threonine 102 with isoleucine.
Molecular consequence: missense variant. On other transcripts: 5 prime UTR variant (2), non-coding transcript variant (1).
Genome position (GRCh38, 1-based): chr14:88,840,904, C>T. VCF-style: chr14-88840904-C-T. GRCh37 (hg19) VCF-style: chr14-89307248-C-T.
Other names: c.305C>T (NM_144596.3); c.275C>T, p.Thr92Ile (NM_001288781.1, NM_001366535.2, NM_001366536.2 and 2 more transcripts); c.-288C>T (NM_001288782.1); c.-383C>T (NM_001288783.1); short protein forms T102I, T92I.
Identifiers: ClinVar variation 886804 (VCV000886804.5), dbSNP rs1341297017, ClinGen allele CA390573770.